The following is an entry in ClinVar:

NM_003660.4(PPFIA3):c.2958C>G (p.His986Gln)

Gene: PPFIA3 (PTPRF interacting protein alpha 3; plus strand). Cytogenetic location: 19q13.33.
Variant type: single nucleotide variant.
Coding change: c.2958C>G on transcript NM_003660.4 (MANE Select); coding-DNA position 2958, C replaced by G.
Protein change: p.His986Gln; replaces histidine 986 with glutamine.
Molecular consequence: missense variant. On other transcripts: non-coding transcript variant (1).
Genome position (GRCh38, 1-based): chr19:49,148,205, C>G. VCF-style: chr19-49148205-C-G. GRCh37 (hg19) VCF-style: chr19-49651462-C-G.
Other names: short protein forms H986Q.
Identifiers: ClinVar variation 3603058 (VCV003603058.1).

ClinVar aggregate classification (germline): Uncertain significance (1 of 4 stars; one submission).

Submission:

GeneDx
Classification: Uncertain significance. Last evaluated: 2024-08-01. Review status: criteria provided, single submitter. Criteria: GeneDx Variant Classification Process June 2021. Collection method: clinical testing. Allele origin: germline. Affected: yes.
Comment: Not observed at significant frequency in large population cohorts (gnomAD); In silico analysis supports that this missense variant has a deleterious effect on protein structure/function; Has not been previously published as pathogenic or benign to our knowledge